The following is an entry in ClinVar:

ClinVar aggregate classification (germline): Uncertain significance (1 of 4 stars; one submission).

Conditions:
Hypertrophic cardiomyopathy 14. Identifiers: MedGen C2750467, MONDO:0013197, OMIM 613251.
Dilated cardiomyopathy 1EE (CMD1EE). Identifiers: Orphanet 154, MedGen C2750466, MONDO:0013198, OMIM 613252.
Atrial septal defect 3 (ASD3). Identifiers: Orphanet 1478, MedGen C3279790, MONDO:0013567, OMIM 614089.
Sick sinus syndrome 3, susceptibility to (SSS3). Identifiers: Orphanet 166282, MedGen C3279791, MONDO:0013568, OMIM 614090.

Submission:

Juno Genomics, Hangzhou Juno Genomics, Inc
Classification: Uncertain significance for Sick sinus syndrome 3, susceptibility to; Atrial septal defect 3; Dilated cardiomyopathy 1EE; Hypertrophic cardiomyopathy 14. Review status: criteria provided, single submitter. Criteria: ACMG Guidelines, 2015. Collection method: clinical testing. Allele origin: germline.
Comment: Absent from controls (or at extremely low frequency if recessive) in Genome Aggregation Database.;Missense variant in a gene that has a low rate of benign missense variation.;Multiple lines of computational evidence support a deleterious effect on the gene or gene product.

NM_002471.4(MYH6):c.356G>T (p.Gly119Val)

Genes: MYH6 (myosin heavy chain 6; minus strand), LOC114827851 (VISTA enhancer hs2155; plus strand). Cytogenetic location: 14q11.2.
Variant type: single nucleotide variant.
Coding change: c.356G>T on transcript NM_002471.4 (MANE Select); coding-DNA position 356, G replaced by T.
Protein change: p.Gly119Val; replaces glycine 119 with valine.
Molecular consequence: missense variant.
Genome position (GRCh38, 1-based): chr14:23,405,369, C>A on the plus strand (G>T on the coding strand, the complement: MYH6 is on the minus strand). VCF-style: chr14-23405369-C-A. GRCh37 (hg19) VCF-style: chr14-23874578-C-A.
Other names: short protein forms G119V.
Identifiers: ClinVar variation 5005311 (VCV005005311.2).
Genomic context (GRCh38, chr14:23,405,369, plus strand): 5'-ACCACCTCGGCATTGTACACCGGCAGCCACTTGTAGGGGTTGACAGTGACACAGAAGAGG[C>A]CCGAGTAGGTCTGGAGCAGGAGACAAGGCTGGGCATGAGGTTGGTGGGGAGAGCCTGGGA-3'
Protein context (NP_002462.2, residues 109-129): YAAWMIYTYS[Gly119Val]LFCVTVNPYK